The following is an entry in ClinVar:

NM_006734.4(HIVEP2):c.6374C>A (p.Ala2125Glu)

Gene: HIVEP2 (HIVEP zinc finger 2; minus strand). Cytogenetic location: 6q24.2.
Variant type: single nucleotide variant.
Coding change: c.6374C>A on transcript NM_006734.4 (MANE Select); coding-DNA position 6374, C replaced by A.
Protein change: p.Ala2125Glu; replaces alanine 2125 with glutamic acid.
Molecular consequence: missense variant.
Genome position (GRCh38, 1-based): chr6:142,759,914, G>T on the plus strand (C>A on the coding strand, the complement: HIVEP2 is on the minus strand). VCF-style: chr6-142759914-G-T. GRCh37 (hg19) VCF-style: chr6-143081051-G-T.
Other names: c.6374C>A, p.Ala2125Glu (NM_001438449.1, NM_001438450.1, NM_001438451.1); short protein forms A2125E.
Identifiers: ClinVar variation 5002357 (VCV005002357.1).

ClinVar aggregate classification (germline): Uncertain significance (1 of 4 stars; one submission).

Conditions:
HIVEP2-related disorder. Also called: HIVEP2-related condition.

gnomAD v4.1: 1 of 1,614,032 alleles (0.000062%); highest among the groups gnomAD compares: South Asian, 0.0011%; no homozygotes.

Submission:

PreventionGenetics, part of Exact Sciences
Classification: Uncertain significance for HIVEP2-related condition. Last evaluated: 2025-01-18. Review status: criteria provided, single submitter. Criteria: ACMG Guidelines, 2015. Collection method: clinical testing. Allele origin: germline.
Comment: The HIVEP2 c.6374C>A variant is predicted to result in the amino acid substitution p.Ala2125Glu. To our knowledge, this variant has not been reported in the literature or in a large population database (gnomAD), indicating this variant is rare. At this time, the clinical significance of this variant is uncertain due to the absence of conclusive functional and genetic evidence.